The following is an entry in ClinVar:

ClinVar aggregate classification (germline): Benign. Review status: criteria provided, multiple submitters, no conflicts (2 of 4 stars). 6 submissions from 6 submitters: Benign (3). 3 of the submissions do not count toward it. Last evaluated 2018-08-16.

Conditions:
Occult macular dystrophy (OCMD). Also called: OMD; OCCULT MACULAR DYSTROPHY, SUSCEPTIBILITY TO. Identifiers: Orphanet 247834, MedGen C3150833, MONDO:0013316, OMIM 613587, HP:0030636.

Allele frequency attached by ClinVar (database versions not stated): gnomAD exomes 0.04570 and 0.08482; gnomAD 0.08074 and 0.08185; ExAC 0.16442.

Submissions (6):

GeneDx
Classification: Benign. Last evaluated: 2018-08-16. Review status: criteria provided, single submitter. Criteria: GeneDx Variant Classification Process June 2021. Collection method: clinical testing. Allele origin: germline. Affected: yes.

Illumina Laboratory Services, Illumina
Classification: Benign for Occult macular dystrophy. Last evaluated: 2018-01-13. Review status: criteria provided, single submitter. Criteria: ICSL Variant Classification Criteria 13 December 2019. Collection method: clinical testing. Allele origin: germline.
Comment: This variant was observed in the ICSL laboratory as part of a predisposition screen in an ostensibly healthy population. It had not been previously curated by ICSL or reported in the Human Gene Mutation Database (HGMD: prior to June 1st, 2018), and was therefore a candidate for classification through an automated scoring system. Utilizing variant allele frequency, disease prevalence and penetrance estimates, and inheritance mode, an automated score was calculated to assess if this variant is too frequent to cause the disease. Based on the score and internal cut-off values, a variant classified as benign is not then subjected to further curation. The score for this variant resulted in a classification of benign for this disease.

Breakthrough Genomics
Classification: Benign. Review status: criteria provided, single submitter. Criteria: ACMG Guidelines, 2015. Collection method: not provided. Allele origin: germline. Inheritance: Autosomal recessive inheritance. Affected: yes.

Clinical Genetics DNA and cytogenetics Diagnostics Lab, Erasmus MC, Erasmus Medical Center
Classification: Likely benign. Review status: no assertion criteria provided. Collection method: clinical testing. Allele origin: germline. Affected: yes. Study: VKGL Data-share Consensus. Not counted in ClinVar's aggregate classification.

Clinical Genetics, Academic Medical Center
Classification: Benign. Review status: no assertion criteria provided. Collection method: clinical testing. Allele origin: germline. Affected: yes. Study: VKGL Data-share Consensus. Not counted in ClinVar's aggregate classification.

Diagnostic Laboratory, Department of Genetics, University Medical Center Groningen
Classification: Benign. Review status: no assertion criteria provided. Collection method: clinical testing. Allele origin: germline. Affected: yes. Study: VKGL Data-share Consensus. Not counted in ClinVar's aggregate classification.

NM_178857.6(RP1L1):c.3972A>G (p.Glu1324=)

Gene: RP1L1 (RP1 like 1). Cytogenetic location: 8p23.1.
Variant type: single nucleotide variant.
Coding change: c.3972A>G on transcript NM_178857.6 (MANE Select); coding-DNA position 3972, A replaced by G.
Protein change: p.Glu1324=; no amino-acid change (glutamic acid 1324 retained).
Molecular consequence: synonymous variant.
Genome position (GRCh38, 1-based): chr8:10,610,126, T>C on the plus strand (A>G on the coding strand, the complement: RP1L1 is on the minus strand). VCF-style: chr8-10610126-T-C. GRCh37 (hg19) VCF-style: chr8-10467636-T-C.
Identifiers: ClinVar variation 361296 (VCV000361296.13), dbSNP rs4840500, ClinGen allele CA4624276.